The following is an entry in ClinVar:

ClinVar aggregate classification (germline): Uncertain significance (1 of 4 stars; one submission).

Allele frequency attached by ClinVar (database versions not stated): gnomAD exomes below 0.00001; ExAC 0.00001.
gnomAD v4.1: 7 of 1,600,756 alleles (0.00044%); highest among the groups gnomAD compares: Admixed American, 0.0017%; no homozygotes.

Submission:

Labcorp Genetics (formerly Invitae), Labcorp
Classification: Uncertain significance. Last evaluated: 2022-04-25. Review status: criteria provided, single submitter. Criteria: Invitae Variant Classification Sherloc (09022015). Collection method: clinical testing. Allele origin: germline.
Comment: This sequence change replaces proline, which is neutral and non-polar, with leucine, which is neutral and non-polar, at codon 23 of the KLF10 protein (p.Pro23Leu). In summary, the available evidence is currently insufficient to determine the role of this variant in disease. Therefore, it has been classified as a Variant of Uncertain Significance. Algorithms developed to predict the effect of missense changes on protein structure and function output the following: SIFT: "Tolerated"; PolyPhen-2: "Benign"; Align-GVGD: "Class C0". The leucine amino acid residue is found in multiple mammalian species, which suggests that this missense change does not adversely affect protein function. This variant has not been reported in the literature in individuals affected with KLF10-related conditions. This variant is present in population databases (rs759916201, gnomAD 0.0009%).

NM_005655.4(KLF10):c.68C>T (p.Pro23Leu)

Gene: KLF10 (KLF transcription factor 10; minus strand). Cytogenetic location: 8q22.3.
Variant type: single nucleotide variant.
Coding change: c.68C>T on transcript NM_005655.4 (MANE Select); coding-DNA position 68, C replaced by T.
Protein change: p.Pro23Leu; replaces proline 23 with leucine.
Molecular consequence: missense variant. On other transcripts: non-coding transcript variant (2).
Genome position (GRCh38, 1-based): chr8:102,652,366, G>A on the plus strand (C>T on the coding strand, the complement: KLF10 is on the minus strand). VCF-style: chr8-102652366-G-A. GRCh37 (hg19) VCF-style: chr8-103664594-G-A.
Other names: c.35C>T, p.Pro12Leu (NM_001032282.4); short protein forms P12L, P23L.
Identifiers: ClinVar variation 2060619 (VCV002060619.4), dbSNP rs759916201, ClinGen allele CA4833696.